The following is an entry in ClinVar:

ClinVar aggregate classification (germline): Uncertain significance (1 of 4 stars; one submission).

Conditions:
Dyskeratosis congenita. Identifiers: Orphanet 1775, MedGen C0265965, MONDO:0015780.

Submission:

Ambry Genetics
Classification: Uncertain significance for Dyskeratosis congenita. Last evaluated: 2025-04-09. Review status: criteria provided, single submitter. Criteria: Ambry Variant Classification Scheme 2023. Collection method: clinical testing. Allele origin: germline.
Comment: The p.S227N variant (also known as c.680G>A), located in coding exon 2 of the TERT gene, results from a G to A substitution at nucleotide position 680. The serine at codon 227 is replaced by asparagine, an amino acid with highly similar properties. This amino acid position is conserved. In addition, this alteration is predicted to be tolerated by in silico analysis. Based on the available evidence, the clinical significance of this variant remains unclear.

NM_198253.3(TERT):c.680G>A (p.Ser227Asn)

Gene: TERT (telomerase reverse transcriptase; minus strand). Cytogenetic location: 5p15.33.
Variant type: single nucleotide variant.
Coding change: c.680G>A on transcript NM_198253.3 (MANE Select); coding-DNA position 680, G replaced by A.
Protein change: p.Ser227Asn; replaces serine 227 with asparagine.
Molecular consequence: missense variant. On other transcripts: non-coding transcript variant (2).
Genome position (GRCh38, 1-based): chr5:1,294,206, C>T on the plus strand (G>A on the coding strand, the complement: TERT is on the minus strand). VCF-style: chr5-1294206-C-T. GRCh37 (hg19) VCF-style: chr5-1294321-C-T.
Other names: c.680G>A, p.Ser227Asn (NM_001193376.3); short protein forms S227N.
Identifiers: ClinVar variation 3967325 (VCV003967325.1).